The following is an entry in ClinVar:

ClinVar aggregate classification (germline): Likely pathogenic. Review status: reviewed by expert panel (3 of 4 stars). 2 submissions from 2 submitters: Likely pathogenic (1). 1 of the submissions does not count toward it. Last evaluated 2025-02-18.

Conditions:
Bernard Soulier syndrome (BSS). Also called: Platelet Glycoprotein 1b, Deficiency of; BLEEDING DISORDER, PLATELET-TYPE, 1; PLATELET GLYCOPROTEIN Ib DEFICIENCY; VON WILLEBRAND FACTOR RECEPTOR DEFICIENCY; GLYCOPROTEIN Ib, PLATELET, DEFICIENCY OF; Giant platelet syndrome. Identifiers: Orphanet 274, MedGen C0005129, MeSH D001606, MONDO:0009276, OMIM 231200.

Allele frequency attached by ClinVar (database versions not stated): gnomAD exomes below 0.00001 and 0.00001.
gnomAD v4.1: 3 of 1,443,012 alleles (0.00021%); highest among the groups gnomAD compares: South Asian, 0.0027%; no homozygotes.

Submissions (2):

ClinGen Platelet Disorders Variant Curation Expert Panel, ClinGen
Classification: Likely pathogenic for Bernard Soulier syndrome. Last evaluated: 2025-02-18. Review status: reviewed by expert panel. Criteria: ClinGen Platelet ACMG Specifications GP1BB V1.0.0. Collection method: curation. Allele origin: germline. Inheritance: Autosomal recessive inheritance.
Comment: NM_000407.5(GP1BB):c.268C>T is a missense variant (p.Pro90Ser), which has been reported in one homozygous proband with Bernard-Soulier syndrome. At least one patient (Patient BSS-8 in PMID:25539746) with this variant had aggregation absent for ristocetin and present for all other agonists, and flow cytometry revealed that the GPIbα and GPIX expression was severely reduced (<10% compared to controls), which is highly specific for Bernard-Soulier syndrome and with full gene sequencing and del/dup analysis of all BSS genes is specific to GP1bb (PP4_moderate). The Grpmax filtering allele frequency in gnomaDv4.1 is 0.000004490 (based on 2/74000 alleles) in the South Asian population, which is below the <0.0000651678 threshold for PM2_supporting. The computational predictor REVEL gives a score of 0.771, which is above the ClinGen PD VCEP PP3 threshold of >0.644 and predicts a damaging effect on GP1BB function (PP3). Another missense variant in the same codon has been reported in a patient with Bernard-Soulier syndrome c.269C>G (p.Pro90Arg) (PMID:21699652), it is classified Likely Pathogenic by the PD-VCEP (PM5_supporting). In summary, this variant meets the criteria to be classified as likely pathogenic for autosomal recessive Bernard-Soulier syndrome based on the ACMG/AMP criteria applied, as specified by the ClinGen PD VCEP: PP3, PP4_moderate, PM2_supporting, PM5_supporting, and PM3_supporting (VCEP specifications version 1).

ISTH-SSC Genomics in Thrombosis and Hemostasis, KU Leuven, Center for Molecular and Vascular Biology
Classification: Likely pathogenic for Bernard Soulier syndrome. Review status: no assertion criteria provided. Collection method: research. Allele origin: germline. Affected: yes. Not counted in ClinVar's aggregate classification.
Comment: Submitted to GoldVariant by Jose María Bastida from Grupo Español de Alteraciones Plaquetarias Congénitas (GEAPC), Salamanca, Spain

NM_000407.5(GP1BB):c.268C>T (p.Pro90Ser)

Genes: GP1BB (glycoprotein Ib platelet subunit beta; plus strand), SEPT5-GP1BB (SEPT5-GP1BB readthrough; plus strand). Cytogenetic location: 22q11.21.
Variant type: single nucleotide variant.
Coding change: c.268C>T on transcript NM_000407.5 (MANE Select); coding-DNA position 268, C replaced by T.
Protein change: p.Pro90Ser; replaces proline 90 with serine.
Molecular consequence: missense variant. On other transcripts: non-coding transcript variant (2).
Genome position (GRCh38, 1-based): chr22:19,724,111, C>T. VCF-style: chr22-19724111-C-T. GRCh37 (hg19) VCF-style: chr22-19711634-C-T.
Other names: NM_000407.5(GP1BB):c.268C>T; p.Pro90Ser; short protein forms P90S.
Identifiers: ClinVar variation 1691254 (VCV001691254.2), dbSNP rs1197982563, ClinGen allele CA410676953.
Genomic context (GRCh38, chr22:19,724,111, plus strand): 5'-CTGCCGCCGGGGCTGCTGGACGCGCTGCCCGCGCTGCGCACCGCACACCTGGGCGCCAAC[C>T]CCTGGCGCTGCGACTGCCGCCTTGTGCCGCTGCGCGCCTGGCTGGCCGGCCGCCCCGAGC-3'
Protein context (NP_000398.1, residues 80-100): ALRTAHLGAN[Pro90Ser]WRCDCRLVPL